The following is an entry in ClinVar:

NM_031407.7(HUWE1):c.5987G>A (p.Arg1996His)

Gene: HUWE1 (HECT, UBA and WWE domain containing E3 ubiquitin protein ligase 1; minus strand). Cytogenetic location: Xp11.22.
Variant type: single nucleotide variant.
Coding change: c.5987G>A on transcript NM_031407.7 (MANE Select); coding-DNA position 5987, G replaced by A.
Protein change: p.Arg1996His; replaces arginine 1996 with histidine.
Molecular consequence: missense variant.
Genome position (GRCh38, 1-based): chrX:53,575,686, C>T on the plus strand (G>A on the coding strand, the complement: HUWE1 is on the minus strand). VCF-style: chrX-53575686-C-T. GRCh37 (hg19) VCF-style: chrX-53602646-C-T.
Other names: c.5987G>A (NM_031407.6); short protein forms R1996H.
Identifiers: ClinVar variation 1750867 (VCV001750867.9), dbSNP rs200650762, ClinGen allele CA10422179.

ClinVar aggregate classification (germline): Benign. Review status: criteria provided, multiple submitters, no conflicts (2 of 4 stars). 3 submissions from 3 submitters: Benign (2). 1 of the submissions does not count toward it. Last evaluated 2024-09-15.

Conditions:
HUWE1-related disorder. Also called: HUWE1-related condition.
Inborn genetic diseases. Identifiers: MedGen C0950123, MeSH D030342.

Allele frequency attached by ClinVar (database versions not stated): TOPMed 0.00004; gnomAD 0.00006; gnomAD exomes 0.00006; ExAC 0.00018.
gnomAD v4.1: 81 of 1,210,079 alleles (0.0067%); highest among the groups gnomAD compares: Admixed American, 0.0065%; no homozygotes.

Submissions (3):

Labcorp Genetics (formerly Invitae), Labcorp
Classification: Benign. Last evaluated: 2024-09-15. Review status: criteria provided, single submitter. Criteria: Invitae Variant Classification Sherloc (09022015). Collection method: clinical testing. Allele origin: germline.

Ambry Genetics
Classification: Benign for Inborn genetic diseases. Last evaluated: 2018-04-24. Review status: criteria provided, single submitter. Criteria: Ambry Variant Classification Scheme 2023. Collection method: clinical testing. Allele origin: germline.

PreventionGenetics, part of Exact Sciences
Classification: Likely benign for HUWE1-related condition. Last evaluated: 2023-11-13. Review status: no assertion criteria provided. Collection method: clinical testing. Allele origin: germline. Not counted in ClinVar's aggregate classification.
Comment: This variant is classified as likely benign based on ACMG/AMP sequence variant interpretation guidelines (Richards et al. 2015 PMID: 25741868, with internal and published modifications).